The following is an entry in ClinVar:

NM_001374353.1(GLI2):c.148+15G>A

Gene: GLI2 (GLI family zinc finger 2; plus strand). Cytogenetic location: 2q14.2.
Variant type: single nucleotide variant.
Coding change: c.148+15G>A on transcript NM_001374353.1 (MANE Select); 15 bases into the intron after coding-DNA position 148, G replaced by A.
Molecular consequence: intron variant.
Genome position (GRCh38, 1-based): chr2:120,797,483, G>A. VCF-style: chr2-120797483-G-A. GRCh37 (hg19) VCF-style: chr2-121555059-G-A.
Other names: c.148+15G>A (NM_001371271.1, NM_005270.5); c.-122+15G>A (NM_001374354.1).
Identifiers: ClinVar variation 330963 (VCV000330963.6), dbSNP rs182618064, ClinGen allele CA1851413.

ClinVar aggregate classification (germline): Likely benign. Review status: criteria provided, multiple submitters, no conflicts (2 of 4 stars). 2 submissions from 2 submitters: Likely benign (2). Last evaluated 2024-09-20.

Conditions:
Holoprosencephaly 9 (HPE9). Also called: HOLOPROSENCEPHALY WITH MICROPHTHALMIA AND FIRST BRANCHIAL ARCH ANOMALIES; PITUITARY ANOMALIES WITH HOLOPROSENCEPHALY-LIKE FEATURES. Identifiers: Orphanet 2162, MedGen C1835819, MONDO:0012563, OMIM 610829.

Allele frequency attached by ClinVar (database versions not stated): gnomAD 0.00002 and 0.00004; TOPMed 0.00006; ExAC 0.00011; 1000 Genomes Project 0.00040; 1000 Genomes Project 30x 0.00047.
gnomAD v4.1: 102 of 1,611,692 alleles (0.0063%); highest among the groups gnomAD compares: East Asian, 0.071%; no homozygotes.

Submissions (2):

Blueprint Genetics
Classification: Likely benign. Last evaluated: 2024-09-20. Review status: criteria provided, single submitter. Criteria: ACMG Guidelines, 2015. Collection method: clinical testing. Allele origin: germline.

Illumina Laboratory Services, Illumina
Classification: Likely benign for Holoprosencephaly 9. Last evaluated: 2018-01-13. Review status: criteria provided, single submitter. Criteria: ICSL Variant Classification Criteria 13 December 2019. Collection method: clinical testing. Allele origin: germline.
Comment: This variant was observed in the ICSL laboratory as part of a predisposition screen in an ostensibly healthy population. It had not been previously curated by ICSL or reported in the Human Gene Mutation Database (HGMD: prior to June 1st, 2018), and was therefore a candidate for classification through an automated scoring system. Utilizing variant allele frequency, disease prevalence and penetrance estimates, and inheritance mode, an automated score was calculated to assess if this variant is too frequent to cause the disease. Based on the score and internal cut-off values, a variant classified as likely benign is not then subjected to further curation. The score for this variant resulted in a classification of likely benign for this disease.